The following is an entry in ClinVar:

NM_019892.6(INPP5E):c.1615G>A (p.Gly539Arg)

Gene: INPP5E (inositol polyphosphate-5-phosphatase E; minus strand). Cytogenetic location: 9q34.3.
Variant type: single nucleotide variant.
Coding change: c.1615G>A on transcript NM_019892.6 (MANE Select); coding-DNA position 1615, G replaced by A.
Protein change: p.Gly539Arg; replaces glycine 539 with arginine.
Molecular consequence: missense variant.
Genome position (GRCh38, 1-based): chr9:136,431,052, C>T on the plus strand (G>A on the coding strand, the complement: INPP5E is on the minus strand). VCF-style: chr9-136431052-C-T. GRCh37 (hg19) VCF-style: chr9-139325504-C-T.
Other names: c.1612G>A, p.Gly538Arg (NM_001318502.2); c.1615G>A (NM_019892.5); short protein forms G538R, G539R.
Identifiers: ClinVar variation 954271 (VCV000954271.16), dbSNP rs375126841, ClinGen allele CA201638643.

ClinVar aggregate classification (germline): Conflicting classifications of pathogenicity. Review status: criteria provided, conflicting classifications (1 of 4 stars). 5 submissions from 5 submitters: Likely pathogenic (1); Uncertain significance (3). 1 of the submissions does not count toward it. Last evaluated 2025-11-23.

Conditions:
INPP5E-related disorder. Also called: INPP5E-related condition.
Joubert syndrome. Also called: JOUBERT-BOLTSHAUSER SYNDROME; Familial aplasia of the vermis. Identifiers: Orphanet 475, MedGen C5979921, MONDO:0018772.

Allele frequency attached by ClinVar (database versions not stated): ESP Exome Variant Server 0.00008; gnomAD 0.00002; TOPMed 0.00005; gnomAD exomes 0.00001 and 0.00002.
gnomAD v4.1: 24 of 1,613,172 alleles (0.0015%); highest among the groups gnomAD compares: East Asian, 0.0045%; no homozygotes.

Submissions (5):

Labcorp Genetics (formerly Invitae), Labcorp
Classification: Likely pathogenic for Joubert syndrome. Last evaluated: 2025-11-23. Review status: criteria provided, single submitter. Criteria: Invitae Variant Classification Sherloc (09022015). Collection method: clinical testing. Allele origin: germline.
Comment: This sequence change replaces glycine, which is neutral and non-polar, with arginine, which is basic and polar, at codon 539 of the INPP5E protein (p.Gly539Arg). This variant is present in population databases (rs375126841, gnomAD 0.01%). This missense change has been observed in individual(s) with retinitis pigmentosa (internal data). In at least one individual the data is consistent with being in trans (on the opposite chromosome) from a pathogenic variant. ClinVar contains an entry for this variant (Variation ID: 954271). Invitae Evidence Modeling of protein sequence and biophysical properties (such as structural, functional, and spatial information, amino acid conservation, physicochemical variation, residue mobility, and thermodynamic stability) indicates that this missense variant is expected to disrupt INPP5E protein function with a positive predictive value of 95%. In summary, the currently available evidence indicates that the variant is pathogenic, but additional data are needed to prove that conclusively. Therefore, this variant has been classified as Likely Pathogenic.

GeneDx
Classification: Uncertain significance. Last evaluated: 2025-06-03. Review status: criteria provided, single submitter. Criteria: GeneDx Variant Classification Process June 2021. Collection method: clinical testing. Allele origin: germline. Affected: yes.
Comment: Not observed at significant frequency in large population cohorts (gnomAD); In silico analysis supports that this missense variant has a deleterious effect on protein structure/function; Has not been previously published as pathogenic or benign to our knowledge; This variant is associated with the following publications: (PMID: 23386033)

Blueprint Genetics
Classification: Uncertain significance. Last evaluated: 2023-05-04. Review status: criteria provided, single submitter. Criteria: ACMG Guidelines, 2015. Collection method: clinical testing. Allele origin: germline.

Revvity Omics, Revvity
Classification: Uncertain significance. Last evaluated: 2021-06-15. Review status: criteria provided, single submitter. Criteria: ACMG Guidelines, 2015. Collection method: clinical testing. Allele origin: germline.

PreventionGenetics, part of Exact Sciences
Classification: Uncertain significance for INPP5E-related condition. Last evaluated: 2024-06-15. Review status: no assertion criteria provided. Collection method: clinical testing. Allele origin: germline. Not counted in ClinVar's aggregate classification.
Comment: The INPP5E c.1615G>A variant is predicted to result in the amino acid substitution p.Gly539Arg. To our knowledge, this variant has not been reported in the literature. This variant is reported in 0.010% of alleles in individuals of East Asian descent in gnomAD. At this time, the clinical significance of this variant is uncertain due to the absence of conclusive functional and genetic evidence.